The following is an entry in ClinVar:

ClinVar aggregate classification (germline): Likely pathogenic (1 of 4 stars; one submission).

Conditions:
Blood group, ER (ER). Also called: ER BLOOD GROUP SYSTEM. Identifiers: MedGen C5703066, OMIM 620207.
Lymphatic malformation 6 (LMPHM6). Also called: GENERALIZED LYMPHATIC DYSPLASIA OF FOTIOU; PIEZO1-related generalized lymphatic dysplasia with non-immune hydrops fetalis; Lymphedema, hereditary, III. Identifiers: Orphanet 568062, MedGen C4225184, MONDO:0014797, OMIM 616843.
Dehydrated hereditary stomatocytosis with or without pseudohyperkalemia and/or perinatal edema (DHS1). Also called: Dehydrated hereditary stomatocytosis 1 with or without pseudohyperkalemia and/or perinatal edema; PSEUDOHYPERKALEMIA EDINBURGH; DEHYDRATED HEREDITARY STOMATOCYTOSIS AND PSEUDOHYPERKALEMIA; DEHYDRATED HEREDITARY STOMATOCYTOSIS WITH PSEUDOHYPERKALEMIA AND PERINATAL EDEMA; Pseudohyperkalemia, familial, 1, due to red cell leak. Identifiers: Orphanet 3202, MedGen C4551512, MONDO:0008689, OMIM 194380.

gnomAD v4.1: 1 of 1,550,118 alleles (0.000065%); highest among the groups gnomAD compares: Non-Finnish European, 0.000087%; no homozygotes.

Submission:

Juno Genomics, Hangzhou Juno Genomics, Inc
Classification: Likely pathogenic for Blood group, ER; Dehydrated hereditary stomatocytosis with or without pseudohyperkalemia and/or perinatal edema; Lymphatic malformation 6. Review status: criteria provided, single submitter. Criteria: ACMG Guidelines, 2015. Collection method: clinical testing. Allele origin: germline.
Comment: Absent from controls (or at extremely low frequency if recessive) in Genome Aggregation Database.;Null variant in a gene where loss of function (LOF) is a known mechanism of disease.

NM_001142864.4(PIEZO1):c.1452G>A (p.Trp484Ter)

Genes: HSALR1 (HSP90AB1 associated lncRNA 1; plus strand), PIEZO1 (piezo type mechanosensitive ion channel component 1 (Er blood group); minus strand). Cytogenetic location: 16q24.3.
Variant type: single nucleotide variant.
Coding change: c.1452G>A on transcript NM_001142864.4 (MANE Select); coding-DNA position 1452, G replaced by A.
Protein change: p.Trp484Ter; replaces tryptophan 484 with a stop codon.
Molecular consequence: nonsense.
Genome position (GRCh38, 1-based): chr16:88,736,253, C>T on the plus strand (G>A on the coding strand, the complement: PIEZO1 is on the minus strand). VCF-style: chr16-88736253-C-T. GRCh37 (hg19) VCF-style: chr16-88802661-C-T.
Other names: short protein forms W484*.
Identifiers: ClinVar variation 5019597 (VCV005019597.2).